The following is an entry in ClinVar:

ClinVar aggregate classification (germline): Conflicting classifications of pathogenicity. Review status: criteria provided, conflicting classifications (1 of 4 stars). 2 submissions from 2 submitters: Uncertain significance (1); Likely benign (1). Last evaluated 2024-09-20.

Conditions:
Inborn genetic diseases. Identifiers: MedGen C0950123, MeSH D030342.
Nicolaides-Baraitser syndrome (NCBRS). Also called: SMARCA2-Related Nicolaides-Baraitser Syndrome; Intellectual disability-sparse hair-brachydactyly syndrome. Identifiers: Orphanet 3051, MedGen C1303073, MONDO:0011053, OMIM 601358.
Blepharophimosis-impaired intellectual development syndrome. Identifiers: Orphanet 637013, MedGen C5443984, MONDO:0859139, OMIM 619293.

Submissions (2):

3billion
Classification: Likely benign for Blepharophimosis-impaired intellectual development syndrome; Nicolaides-Baraitser syndrome. Last evaluated: 2024-09-20. Review status: criteria provided, single submitter. Criteria: ACMG Guidelines, 2015. Collection method: clinical testing. Allele origin: germline. Affected: no.
Comment: The variant was identified in at least one patient who was diagnosed with a different variant in another gene and showed no symptoms related to the gene containing the variant in question.

Ambry Genetics
Classification: Uncertain significance for Inborn genetic diseases. Last evaluated: 2023-04-25. Review status: criteria provided, single submitter. Criteria: Ambry Variant Classification Scheme 2023. Collection method: clinical testing. Allele origin: germline.

NM_003070.5(SMARCA2):c.221A>G (p.His74Arg)

Gene: SMARCA2 (SWI/SNF related BAF chromatin remodeling complex subunit ATPase 2; plus strand). Cytogenetic location: 9p24.3.
Variant type: single nucleotide variant.
Coding change: c.221A>G on transcript NM_003070.5 (MANE Select); coding-DNA position 221, A replaced by G.
Protein change: p.His74Arg; replaces histidine 74 with arginine.
Molecular consequence: missense variant.
Genome position (GRCh38, 1-based): chr9:2,029,243, A>G. VCF-style: chr9-2029243-A-G. GRCh37 (hg19) VCF-style: chr9-2029243-A-G.
Other names: c.221A>G, p.His74Arg (NM_001289396.2, NM_001289397.2, NM_139045.4); short protein forms H74R.
Identifiers: ClinVar variation 2540713 (VCV002540713.3), dbSNP rs2537193288, ClinGen allele CA372779417.